The following is an entry in ClinVar:

NM_182914.3(SYNE2):c.242G>A (p.Arg81Gln)

Gene: SYNE2 (spectrin repeat containing nuclear envelope protein 2; plus strand). Cytogenetic location: 14q23.2.
Variant type: single nucleotide variant.
Coding change: c.242G>A on transcript NM_182914.3 (MANE Select); coding-DNA position 242, G replaced by A.
Protein change: p.Arg81Gln; replaces arginine 81 with glutamine.
Molecular consequence: missense variant.
Genome position (GRCh38, 1-based): chr14:63,941,889, G>A. VCF-style: chr14-63941889-G-A. GRCh37 (hg19) VCF-style: chr14-64408607-G-A.
Other names: c.242G>A, p.Arg81Gln (NM_015180.6); short protein forms R81Q.
Identifiers: ClinVar variation 1436924 (VCV001436924.8), dbSNP rs756729566, ClinGen allele CA7219054.

ClinVar aggregate classification (germline): Uncertain significance (1 of 4 stars; one submission).

Conditions:
Emery-Dreifuss muscular dystrophy 5, autosomal dominant (EDMD5). Also called: EMERY-DREIFUSS MUSCULAR DYSTROPHY 5. Identifiers: Orphanet 261, MedGen C2751805, MONDO:0013072, OMIM 612999.

Allele frequency attached by ClinVar (database versions not stated): gnomAD 0.00001; gnomAD exomes 0.00001 and 0.00003; ExAC 0.00002.
gnomAD v4.1: 20 of 1,613,022 alleles (0.0012%); highest among the groups gnomAD compares: Middle Eastern, 0.016%; no homozygotes.

Submission:

Labcorp Genetics (formerly Invitae), Labcorp
Classification: Uncertain significance for Emery-Dreifuss muscular dystrophy 5, autosomal dominant. Last evaluated: 2026-01-19. Review status: criteria provided, single submitter. Criteria: Invitae Variant Classification Sherloc (09022015). Collection method: clinical testing. Allele origin: germline.
Comment: This sequence change replaces arginine, which is basic and polar, with glutamine, which is neutral and polar, at codon 81 of the SYNE2 protein (p.Arg81Gln). This variant is present in population databases (rs756729566, gnomAD 0.006%). This variant has not been reported in the literature in individuals affected with SYNE2-related conditions. ClinVar contains an entry for this variant (Variation ID: 1436924). An algorithm developed to predict the effect of missense changes on protein structure and function (PolyPhen-2) suggests that this variant is likely to be disruptive. In summary, the available evidence is currently insufficient to determine the role of this variant in disease. Therefore, it has been classified as a Variant of Uncertain Significance.